The following is an entry in ClinVar:

NM_001330701.2(AGTPBP1):c.663-11_663-9del

Gene: AGTPBP1 (ATP/GTP binding carboxypeptidase 1; minus strand). Cytogenetic location: 9q21.33.
Variant type: Microsatellite.
Coding change: c.663-11_663-9del on transcript NM_001330701.2 (MANE Select); 11 bases into the intron before coding-DNA position 663 through 9 bases into the intron before coding-DNA position 663, 3 bases deleted (TGT; older notation c.663-11_663-9delTGT).
Molecular consequence: intron variant.
Genome position (GRCh38, 1-based): chr9:85,660,982-85,660,984, ACA deleted on the plus strand (TGT on the coding strand, the reverse complement: AGTPBP1 is on the minus strand); deleting any 3 consecutive bases within chr9:85,660,982-85,660,988 gives the same sequence; the c. name uses the placement nearest the transcript's 3' end. VCF-style (leftmost placement, unchanged base first): chr9-85660981-CACA-C. GRCh37 (hg19) VCF-style: chr9-88275896-CACA-C.
Other names: c.819-11_819-9delTGT (NM_001286715.1); c.819-11_819-9del (NM_001286717.1, NM_001286715.1); c.663-11_663-9del (NM_015239.3).
Identifiers: ClinVar variation 4903609 (VCV004903609.2).
Genomic context (GRCh38, chr9:85,660,981, plus strand): 5'-TATTTAAAAACTTACTTGATTTTAGCAATGCAGCAAGAGTGTCTAAAGCAACCCTGTCAA[CACA>C]ACAAGAAAACACAAACAACAACAAAACTAGTAAAATTAATCTACAATAGTAAATTCATAC-3'

ClinVar aggregate classification (germline): Likely benign. Review status: criteria provided, multiple submitters, no conflicts (2 of 4 stars). 2 submissions from 2 submitters: Likely benign (2). Last evaluated 2026-09-14.

Conditions:
AGTPBP1-related disorder. Also called: AGTPBP1-related condition.

Submissions (2):

PreventionGenetics, part of Exact Sciences
Classification: Likely benign for AGTPBP1-related condition. Last evaluated: 2026-09-14. Review status: criteria provided, single submitter. Criteria: ACMG Guidelines, 2015. Collection method: clinical testing. Allele origin: germline.
Comment: This variant is classified as likely benign based on ACMG/AMP sequence variant interpretation guidelines (Richards et al. 2015 PMID: 25741868, with internal and published modifications).

Blueprint Genetics
Classification: Likely benign. Last evaluated: 2024-07-30. Review status: criteria provided, single submitter. Criteria: ACMG Guidelines, 2015. Collection method: clinical testing. Allele origin: germline.